The following is an entry in ClinVar:

NM_000059.4(BRCA2):c.3928A>T (p.Thr1310Ser)

Gene: BRCA2 (BRCA2 DNA repair associated; plus strand). Cytogenetic location: 13q13.1.
Variant type: single nucleotide variant.
Coding change: c.3928A>T on transcript NM_000059.4 (MANE Select); coding-DNA position 3928, A replaced by T.
Protein change: p.Thr1310Ser; replaces threonine 1310 with serine.
Molecular consequence: missense variant.
Genome position (GRCh38, 1-based): chr13:32,338,283, A>T. VCF-style: chr13-32338283-A-T. GRCh37 (hg19) VCF-style: chr13-32912420-A-T.
Other names: c.3928A>T (NM_000059.3); short protein forms T1310S.
Identifiers: ClinVar variation 1021604 (VCV001021604.12), dbSNP rs2072491912, ClinGen allele CA387778844.

ClinVar aggregate classification (germline): Conflicting classifications of pathogenicity. Review status: criteria provided, conflicting classifications (1 of 4 stars). 4 submissions from 4 submitters: Uncertain significance (3); Likely benign (1). Last evaluated 2025-08-20.

Conditions:
Hereditary breast ovarian cancer syndrome. Also called: Breast and ovarian cancer; Hereditary breast and ovarian cancer syndrome (HBOC); Hereditary breast and ovarian cancer; Hereditary breast and/or ovarian cancer syndrome; BRCA1- and BRCA2-Associated Hereditary Breast and Ovarian Cancer; Hereditary breast and ovarian cancer syndrome. Identifiers: Orphanet 145, MedGen C0677776, MeSH D061325, MONDO:0003582. Disease mechanism: loss of function.
Hereditary cancer-predisposing syndrome. Also called: Hereditary Cancer Syndrome; Neoplastic Syndromes, Hereditary; Tumor predisposition; Hereditary neoplastic syndrome. Identifiers: Orphanet 140162, MedGen C0027672, MeSH D009386, MONDO:0015356.

Submissions (4):

Ambry Genetics
Classification: Uncertain significance for Hereditary cancer-predisposing syndrome. Last evaluated: 2025-08-20. Review status: criteria provided, single submitter. Criteria: Ambry Variant Classification Scheme 2023. Collection method: clinical testing. Allele origin: germline.
Comment: The p.T1310S variant (also known as c.3928A>T), located in coding exon 10 of the BRCA2 gene, results from an A to T substitution at nucleotide position 3928. The threonine at codon 1310 is replaced by serine, an amino acid with similar properties. This amino acid position is conserved. In addition, this alteration is predicted to be tolerated by in silico analysis. Based on the available evidence, the clinical significance of this variant remains unclear.

Labcorp Genetics (formerly Invitae), Labcorp
Classification: Uncertain significance for Hereditary breast ovarian cancer syndrome. Last evaluated: 2024-09-16. Review status: criteria provided, single submitter. Criteria: Invitae Variant Classification Sherloc (09022015). Collection method: clinical testing. Allele origin: germline.
Comment: This sequence change replaces threonine, which is neutral and polar, with serine, which is neutral and polar, at codon 1310 of the BRCA2 protein (p.Thr1310Ser). This variant is not present in population databases (gnomAD no frequency). This variant has not been reported in the literature in individuals affected with BRCA2-related conditions. ClinVar contains an entry for this variant (Variation ID: 1021604). Invitae Evidence Modeling of protein sequence and biophysical properties (such as structural, functional, and spatial information, amino acid conservation, physicochemical variation, residue mobility, and thermodynamic stability) indicates that this missense variant is not expected to disrupt BRCA2 protein function with a negative predictive value of 95%. In summary, the available evidence is currently insufficient to determine the role of this variant in disease. Therefore, it has been classified as a Variant of Uncertain Significance.

Quest Diagnostics Nichols Institute San Juan Capistrano
Classification: Uncertain significance. Last evaluated: 2023-08-24. Review status: criteria provided, single submitter. Criteria: Quest Diagnostics criteria. Collection method: clinical testing. Allele origin: unknown.
Comment: In the published literature, this variant has been reported within a region of BRCA2 that is likely to tolerate variation (PMID: 31911673 (2020)). This variant has not been reported in large, multi-ethnic general populations (Genome Aggregation Database). Analysis of this variant using bioinformatics tools for the prediction of the effect of amino acid changes on protein structure and function yielded predictions that this variant is benign. Based on the available information, we are unable to determine the clinical significance of this variant.

University of Washington Department of Laboratory Medicine, University of Washington
Classification: Likely benign for Hereditary cancer-predisposing syndrome. Last evaluated: 2023-03-23. Review status: criteria provided, single submitter. Criteria: Dines et al. (Genet Med. 2020). Collection method: curation. Allele origin: germline.
Comment: Missense variant in a coldspot region where missense variants are very unlikely to be pathogenic (PMID:31911673).

BRCA2 exon 11 coldspot. Reclassification based on statistical prior probability.

Literature cited by the submitters: PubMed 31911673 (cited by Quest Diagnostics Nichols Institute San Juan Capistrano).